The following is an entry in ClinVar:

NM_003611.3(OFD1):c.1111G>A (p.Asp371Asn)

Gene: OFD1 (OFD1 centriole and centriolar satellite protein; plus strand). Cytogenetic location: Xp22.2.
Variant type: single nucleotide variant.
Coding change: c.1111G>A on transcript NM_003611.3 (MANE Select); coding-DNA position 1111, G replaced by A.
Protein change: p.Asp371Asn; replaces aspartic acid 371 with asparagine.
Molecular consequence: missense variant.
Genome position (GRCh38, 1-based): chrX:13,753,423, G>A. VCF-style: chrX-13753423-G-A. GRCh37 (hg19) VCF-style: chrX-13771542-G-A.
Other names: c.991G>A, p.Asp331Asn (NM_001330209.2); c.691G>A, p.Asp231Asn (NM_001330210.2); short protein forms D231N, D331N, D371N.
Identifiers: ClinVar variation 977597 (VCV000977597.9), dbSNP rs373202088, ClinGen allele CA326117736.

ClinVar aggregate classification (germline): Uncertain significance. Review status: criteria provided, multiple submitters, no conflicts (2 of 4 stars). 4 submissions from 4 submitters: Uncertain significance (4). Last evaluated 2025-03-31.

Conditions:
OFD1-related disorder. Also called: OFD1-related condition.
Orofaciodigital syndrome I (OFD1). Also called: Oral-Facial-Digital Syndrome Type I; Papillon-Leage and Psaume Syndrome; OFDS I. Identifiers: Orphanet 2750, MedGen C1510460, MONDO:0010702, OMIM 311200.
Joubert syndrome. Also called: JOUBERT-BOLTSHAUSER SYNDROME; Familial aplasia of the vermis. Identifiers: Orphanet 475, MedGen C5979921, MONDO:0018772.
Primary ciliary dyskinesia. Also called: Ciliary dyskinesia. Identifiers: Orphanet 244, MedGen C0008780, MONDO:0016575, HP:0012265.

Allele frequency attached by ClinVar (database versions not stated): gnomAD exomes below 0.00001; gnomAD 0.00001; TOPMed 0.00001; ESP Exome Variant Server 0.00009.
gnomAD v4.1: 3 of 1,208,404 alleles (0.00025%); highest among the groups gnomAD compares: African/African-American, 0.0018%; no homozygotes.

Submissions (4):

Women's Health and Genetics/Laboratory Corporation of America, LabCorp
Classification: Uncertain significance. Last evaluated: 2025-03-31. Review status: criteria provided, single submitter. Criteria: LabCorp Variant Classification Summary - May 2015. Collection method: clinical testing. Allele origin: germline.
Comment: Variant summary: OFD1 c.1111G>A (p.Asp371Asn) results in a conservative amino acid change in the encoded protein sequence. Four of five in-silico tools predict a benign effect of the variant on protein function. The variant was absent in 183431 control chromosomes. The available data on variant occurrences in the general population are insufficient to allow any conclusion about variant significance. To our knowledge, no occurrence of c.1111G>A in individuals affected with Orofaciodigital Syndrome I and no experimental evidence demonstrating its impact on protein function have been reported. ClinVar contains an entry for this variant (Variation ID: 977597). Based on the evidence outlined above, the variant was classified as uncertain significance.

Labcorp Genetics (formerly Invitae), Labcorp
Classification: Uncertain significance for Orofaciodigital syndrome I; Joubert syndrome. Last evaluated: 2024-04-02. Review status: criteria provided, single submitter. Criteria: Invitae Variant Classification Sherloc (09022015). Collection method: clinical testing. Allele origin: germline.
Comment: This sequence change replaces aspartic acid, which is acidic and polar, with asparagine, which is neutral and polar, at codon 371 of the OFD1 protein (p.Asp371Asn). This variant is not present in population databases (gnomAD no frequency). This variant has not been reported in the literature in individuals affected with OFD1-related conditions. ClinVar contains an entry for this variant (Variation ID: 977597). Advanced modeling of protein sequence and biophysical properties (such as structural, functional, and spatial information, amino acid conservation, physicochemical variation, residue mobility, and thermodynamic stability) performed at Invitae indicates that this missense variant is not expected to disrupt OFD1 protein function with a negative predictive value of 80%. In summary, the available evidence is currently insufficient to determine the role of this variant in disease. Therefore, it has been classified as a Variant of Uncertain Significance.

PreventionGenetics, part of Exact Sciences
Classification: Uncertain significance for OFD1-related condition. Last evaluated: 2022-10-05. Review status: criteria provided, single submitter. Criteria: ACMG Guidelines, 2015. Collection method: clinical testing. Allele origin: germline.
Comment: The OFD1 c.1111G>A variant is predicted to result in the amino acid substitution p.Asp371Asn. To our knowledge, this variant has not been reported in the literature or in a large population database, indicating this variant is rare. At this time, the clinical significance of this variant is uncertain due to the absence of conclusive functional and genetic evidence.

UNC Molecular Genetics  Laboratory, University of North Carolina at Chapel Hill
Classification: Uncertain significance for Primary ciliary dyskinesia. Last evaluated: 2019-04-18. Review status: criteria provided, single submitter. Criteria: ACMG Guidelines, 2015. Collection method: clinical testing. Allele origin: germline. Observed: 1 heterozygote, 1 hemizygote.